The following is an entry in ClinVar:

NM_001637.4(AOAH):c.1549G>T (p.Gly517Ter)

Gene: AOAH (acyloxyacyl hydrolase; minus strand). Cytogenetic location: 7p14.2.
Variant type: single nucleotide variant.
Coding change: c.1549G>T on transcript NM_001637.4 (MANE Select); coding-DNA position 1549, G replaced by T.
Protein change: p.Gly517Ter; replaces glycine 517 with a stop codon.
Molecular consequence: nonsense.
Genome position (GRCh38, 1-based): chr7:36,522,089, C>A on the plus strand (G>T on the coding strand, the complement: AOAH is on the minus strand). VCF-style: chr7-36522089-C-A. GRCh37 (hg19) VCF-style: chr7-36561695-C-A.
Other names: c.1549G>T, p.Gly517Ter (NM_001177506.2); c.1453G>T, p.Gly485Ter (NM_001177507.2); short protein forms G485*, G517*.
Identifiers: ClinVar variation 4083666 (VCV004083666.8).

ClinVar aggregate classification (germline): Likely benign (1 of 4 stars; one submission).

gnomAD v4.1: 4,163 of 1,614,194 alleles (0.26%); highest among the groups gnomAD compares: Non-Finnish European, 0.32%; 14 homozygotes.

Submission:

CeGaT Center for Human Genetics Tuebingen
Classification: Likely benign. Last evaluated: 2025-10-01. Review status: criteria provided, single submitter. Criteria: CeGaT Center For Human Genetics Tuebingen Variant Classification Criteria Version 2. Collection method: clinical testing. Allele origin: germline. Affected: yes. Observed: 2 variant alleles.
Comment: AOAH: BS2